The following is an entry in ClinVar:

ClinVar aggregate classification (germline): Uncertain significance (1 of 4 stars; one submission).

Conditions:
Hereditary hyperekplexia. Identifiers: Orphanet 3197, MedGen C4084968, MONDO:0021022.

Submission:

Labcorp Genetics (formerly Invitae), Labcorp
Classification: Uncertain significance for Hereditary hyperekplexia. Last evaluated: 2020-02-14. Review status: criteria provided, single submitter. Criteria: Invitae Variant Classification Sherloc (09022015). Collection method: clinical testing. Allele origin: germline.
Comment: In summary, the available evidence is currently insufficient to determine the role of this variant in disease. Therefore, it has been classified as a Variant of Uncertain Significance. Algorithms developed to predict the effect of missense changes on protein structure and function (SIFT, PolyPhen-2, Align-GVGD) all suggest that this variant is likely to be disruptive, but these predictions have not been confirmed by published functional studies and their clinical significance is uncertain. This variant has not been reported in the literature in individuals with GLRA1-related conditions. This variant is not present in population databases (ExAC no frequency). This sequence change replaces serine with glycine at codon 157 of the GLRA1 protein (p.Ser157Gly). The serine residue is highly conserved and there is a small physicochemical difference between serine and glycine.

NM_000171.4(GLRA1):c.469A>G (p.Ser157Gly)

Gene: GLRA1 (glycine receptor alpha 1; minus strand). Cytogenetic location: 5q33.1.
Variant type: single nucleotide variant.
Coding change: c.469A>G on transcript NM_000171.4 (MANE Select); coding-DNA position 469, A replaced by G.
Protein change: p.Ser157Gly; replaces serine 157 with glycine.
Molecular consequence: missense variant.
Genome position (GRCh38, 1-based): chr5:151,859,792, T>C on the plus strand (A>G on the coding strand, the complement: GLRA1 is on the minus strand). VCF-style: chr5-151859792-T-C. GRCh37 (hg19) VCF-style: chr5-151239353-T-C.
Other names: c.469A>G, p.Ser157Gly (NM_001146040.2); c.220A>G, p.Ser74Gly (NM_001292000.2); short protein forms S157G, S74G.
Identifiers: ClinVar variation 1006736 (VCV001006736.9), dbSNP rs1561560166, ClinGen allele CA361841162.
Genomic context (GRCh38, chr5:151,859,792, plus strand): 5'-GTGGGGCAAGACATGTTCTGAGCAGGGAGTGGGTGAACCTGGTCAGAACTCACCTGATGC[T>C]GTAGAGGACATTCCCATTCCGGGAGATCCTTAGCAATTTGTTGTCTGTGGTGATCTCATG-3'
Protein context (NP_000162.2, residues 147-167): RISRNGNVLY[Ser157Gly]IRITLTLACP